The following is an entry in ClinVar:

ClinVar aggregate classification (germline): Uncertain significance (1 of 4 stars; one submission).

Submission:

GeneDx
Classification: Uncertain significance. Last evaluated: 2024-08-13. Review status: criteria provided, single submitter. Criteria: GeneDx Variant Classification Process June 2021. Collection method: clinical testing. Allele origin: germline. Affected: yes.
Comment: Not observed at significant frequency in large population cohorts (gnomAD); In silico analysis supports that this missense variant has a deleterious effect on protein structure/function; Has not been previously published as pathogenic or benign to our knowledge

NM_004444.5(EPHB4):c.2233A>C (p.Asn745His)

Gene: EPHB4 (EPH receptor B4; minus strand). Cytogenetic location: 7q22.1.
Variant type: single nucleotide variant.
Coding change: c.2233A>C on transcript NM_004444.5 (MANE Select); coding-DNA position 2233, A replaced by C.
Protein change: p.Asn745His; replaces asparagine 745 with histidine.
Molecular consequence: missense variant.
Genome position (GRCh38, 1-based): chr7:100,807,466, T>G on the plus strand (A>C on the coding strand, the complement: EPHB4 is on the minus strand). VCF-style: chr7-100807466-T-G. GRCh37 (hg19) VCF-style: chr7-100405088-T-G.
Other names: short protein forms N745H.
Identifiers: ClinVar variation 3731177 (VCV003731177.1).